The following is an entry in ClinVar:

NM_001145026.2(PTPRQ):c.3359A>T (p.Asp1120Val)

Gene: PTPRQ (protein tyrosine phosphatase receptor type Q; plus strand). Cytogenetic location: 12q21.31.
Variant type: single nucleotide variant.
Coding change: c.3359A>T on transcript NM_001145026.2 (MANE Select); coding-DNA position 3359, A replaced by T.
Protein change: p.Asp1120Val; replaces aspartic acid 1120 with valine.
Molecular consequence: missense variant.
Genome position (GRCh38, 1-based): chr12:80,541,759, A>T. VCF-style: chr12-80541759-A-T. GRCh37 (hg19) VCF-style: chr12-80935538-A-T.
Other names: short protein forms D1120V.
Identifiers: ClinVar variation 1800596 (VCV001800596.2), dbSNP rs1045584015, ClinGen allele CA240256199.
Genomic context (GRCh38, chr12:80,541,759, plus strand): 5'-GACCACCTCTTGTTACATATGAGAGAAGCATATATTTTGATAATCTGGAAAAATACACTG[A>T]TTATATATTAAAAATTACTCCATCAACAGAAAAGGGATTCTCTGATACCTATACTGCCCA-3'
Protein context (NP_001138498.1, residues 1110-1130): IYFDNLEKYT[Asp1120Val]YILKITPSTE

ClinVar aggregate classification (germline): Uncertain significance (1 of 4 stars; one submission).

Allele frequency attached by ClinVar (database versions not stated): gnomAD 0.00001; gnomAD exomes 0.00002.
gnomAD v4.1: 24 of 1,550,968 alleles (0.0015%); highest among the groups gnomAD compares: Admixed American, 0.0059%; no homozygotes.

Submission:

GeneDx
Classification: Uncertain significance. Last evaluated: 2025-06-16. Review status: criteria provided, single submitter. Criteria: GeneDx Variant Classification Process June 2021. Collection method: clinical testing. Allele origin: germline.
Comment: Not observed at significant frequency in large population cohorts (gnomAD); In silico analysis suggests that this missense variant does not alter protein structure/function; Has not been previously published as pathogenic or benign to our knowledge